The following is an entry in ClinVar:

NM_022455.5(NSD1):c.334G>T (p.Val112Phe)

Gene: NSD1 (nuclear receptor binding SET domain protein 1; plus strand). Cytogenetic location: 5q35.3.
Variant type: single nucleotide variant.
Coding change: c.334G>T on transcript NM_022455.5 (MANE Select); coding-DNA position 334, G replaced by T.
Protein change: p.Val112Phe; replaces valine 112 with phenylalanine.
Molecular consequence: missense variant. On other transcripts: intron variant (7).
Genome position (GRCh38, 1-based): chr5:177,135,437, G>T. VCF-style: chr5-177135437-G-T. GRCh37 (hg19) VCF-style: chr5-176562438-G-T.
Other names: c.334G>T, p.Val112Phe (NM_001409301.1, NM_001409302.1, NM_001409303.1 and 1 more transcripts); c.-37+237G>T (NM_001409305.1, NM_001409306.1, NM_001409308.1 and 4 more transcripts); short protein forms V112F.
Identifiers: ClinVar variation 1215377 (VCV001215377.9), dbSNP rs1756231832, ClinGen allele CA362292746.

ClinVar aggregate classification (germline): Uncertain significance. Review status: criteria provided, multiple submitters, no conflicts (2 of 4 stars). 3 submissions from 3 submitters: Uncertain significance (3). Last evaluated 2025-03-15.

Conditions:
Sotos syndrome (SOTOS). Also called: Distinctive facial appearance, overgrowth in childhood, and learning disabilities or delayed development; CHROMOSOME 5q35 DELETION SYNDROME; Sotos' syndrome; SOTOS SYNDROME 1; CEREBRAL GIGANTISM. Identifiers: Orphanet 821, MedGen C0175695, MONDO:0019349, OMIM 117550.

Allele frequency attached by ClinVar (database versions not stated): gnomAD exomes below 0.00001; TOPMed 0.00001.
gnomAD v4.1: 1 of 1,614,146 alleles (0.000062%); highest among the groups gnomAD compares: Non-Finnish European, 0.000085%; no homozygotes.

Submissions (3):

Labcorp Genetics (formerly Invitae), Labcorp
Classification: Uncertain significance. Last evaluated: 2025-03-15. Review status: criteria provided, single submitter. Criteria: Invitae Variant Classification Sherloc (09022015). Collection method: clinical testing. Allele origin: germline.
Comment: This sequence change replaces valine, which is neutral and non-polar, with phenylalanine, which is neutral and non-polar, at codon 112 of the NSD1 protein (p.Val112Phe). This variant is not present in population databases (gnomAD no frequency). This variant has not been reported in the literature in individuals affected with NSD1-related conditions. ClinVar contains an entry for this variant (Variation ID: 1215377). Invitae Evidence Modeling of protein sequence and biophysical properties (such as structural, functional, and spatial information, amino acid conservation, physicochemical variation, residue mobility, and thermodynamic stability) indicates that this missense variant is not expected to disrupt NSD1 protein function with a negative predictive value of 95%. In summary, the available evidence is currently insufficient to determine the role of this variant in disease. Therefore, it has been classified as a Variant of Uncertain Significance.

Fulgent Genetics
Classification: Uncertain significance for Sotos syndrome. Last evaluated: 2021-11-10. Review status: criteria provided, single submitter. Criteria: ACMG Guidelines, 2015. Collection method: clinical testing. Allele origin: unknown.

GeneDx
Classification: Uncertain significance. Last evaluated: 2021-06-19. Review status: criteria provided, single submitter. Criteria: GeneDx Variant Classification Process June 2021. Collection method: clinical testing. Allele origin: germline. Affected: yes.
Comment: Not observed in large population cohorts (Lek et al., 2016); In silico analysis, which includes protein predictors and evolutionary conservation, supports that this variant does not alter protein structure/function; Has not been previously published as pathogenic or benign to our knowledge